The following is an entry in ClinVar:

ClinVar aggregate classification (germline): Likely pathogenic (1 of 4 stars; one submission).

Conditions:
Joubert syndrome. Also called: CEREBELLOPARENCHYMAL DISORDER IV; JOUBERT-BOLTSHAUSER SYNDROME; Familial aplasia of the vermis. Identifiers: Orphanet 475, MedGen C5979921, MONDO:0018772.

Submission:

Labcorp Genetics (formerly Invitae), Labcorp
Classification: Likely pathogenic for Joubert syndrome. Last evaluated: 2024-02-23. Review status: criteria provided, single submitter. Criteria: Invitae Variant Classification Sherloc (09022015). Collection method: clinical testing. Allele origin: germline.
Comment: This sequence change affects an acceptor splice site in intron 22 of the AHI1 gene. It is expected to disrupt RNA splicing. Variants that disrupt the donor or acceptor splice site typically lead to a loss of protein function (PMID: 16199547), and loss-of-function variants in AHI1 are known to be pathogenic (PMID: 15322546, 16453322, 28442542, 29186038). This variant is not present in population databases (gnomAD no frequency). This variant has not been reported in the literature in individuals affected with AHI1-related conditions. ClinVar contains an entry for this variant (Variation ID: 2081639). Algorithms developed to predict the effect of sequence changes on RNA splicing suggest that this variant may disrupt the consensus splice site. In summary, the currently available evidence indicates that the variant is pathogenic, but additional data are needed to prove that conclusively. Therefore, this variant has been classified as Likely Pathogenic.

Literature cited by the submitters: PubMed 16199547; PubMed 15322546; PubMed 16453322; PubMed 28442542; PubMed 29186038.

NM_001134831.2(AHI1):c.3110-1G>A

Gene: AHI1 (Abelson helper integration site 1; minus strand). Cytogenetic location: 6q23.3.
Variant type: single nucleotide variant.
Coding change: c.3110-1G>A on transcript NM_001134831.2 (MANE Select); the canonical splice acceptor site of the intron before coding-DNA position 3110, G replaced by A.
Molecular consequence: splice acceptor variant.
Genome position (GRCh38, 1-based): chr6:135,358,188, C>T on the plus strand (G>A on the coding strand, the complement: AHI1 is on the minus strand). VCF-style: chr6-135358188-C-T. GRCh37 (hg19) VCF-style: chr6-135679326-C-T.
Other names: c.3110-1G>A (NM_001134830.2, NM_001350503.2, NM_017651.5 and 1 more transcripts).
Identifiers: ClinVar variation 2081639 (VCV002081639.4), dbSNP rs2483589449, ClinGen allele CA365840960.